The following is an entry in ClinVar:

NM_000327.3(ROM1):c.-438G>A

Gene: ROM1 (retinal outer segment membrane protein 1; plus strand). Cytogenetic location: 11q12.3.
Variant type: single nucleotide variant.
Coding change: c.-438G>A on transcript NM_000327.3; 438 bases upstream of the start codon, G replaced by A.
Genome position (GRCh38, 1-based): chr11:62,612,844, G>A. VCF-style: chr11-62612844-G-A. GRCh37 (hg19) VCF-style: chr11-62380316-G-A.
Identifiers: ClinVar variation 305155 (VCV000305155.7), dbSNP rs576371643, ClinGen allele CA10638903.

ClinVar aggregate classification (germline): Benign (1 of 4 stars; one submission).

Conditions:
Retinitis pigmentosa (RP). Identifiers: Orphanet 791, MedGen C0035334, MeSH D012174, MONDO:0019200, OMIM 268000. Inheritance: Autosomal dominant, autosomal recessive and X linked inheritance.

Allele frequency attached by ClinVar (database versions not stated): 1000 Genomes Project 0.00339; TOPMed 0.00666; gnomAD 0.00715 and 0.00703; 1000 Genomes Project 30x 0.00437; gnomAD exomes 0.00825.

Submission:

Illumina Laboratory Services, Illumina
Classification: Benign for Retinitis pigmentosa. Last evaluated: 2018-01-13. Review status: criteria provided, single submitter. Criteria: ICSL Variant Classification Criteria 13 December 2019. Collection method: clinical testing. Allele origin: germline.
Comment: This variant was observed in the ICSL laboratory as part of a predisposition screen in an ostensibly healthy population. It had not been previously curated by ICSL or reported in the Human Gene Mutation Database (HGMD: prior to June 1st, 2018), and was therefore a candidate for classification through an automated scoring system. Utilizing variant allele frequency, disease prevalence and penetrance estimates, and inheritance mode, an automated score was calculated to assess if this variant is too frequent to cause the disease. Based on the score and internal cut-off values, a variant classified as benign is not then subjected to further curation. The score for this variant resulted in a classification of benign for this disease.